The following is an entry in ClinVar:

NM_001199397.3(NEK1):c.3806A>T (p.Lys1269Met)

Gene: NEK1 (NIMA related kinase 1; minus strand). Cytogenetic location: 4q33.
Variant type: single nucleotide variant.
Coding change: c.3806A>T on transcript NM_001199397.3 (MANE Select); coding-DNA position 3806, A replaced by T.
Protein change: p.Lys1269Met; replaces lysine 1269 with methionine.
Molecular consequence: missense variant. On other transcripts: non-coding transcript variant (1).
Genome position (GRCh38, 1-based): chr4:169,400,266, T>A on the plus strand (A>T on the coding strand, the complement: NEK1 is on the minus strand). VCF-style: chr4-169400266-T-A. GRCh37 (hg19) VCF-style: chr4-170321417-T-A.
Other names: c.3674A>T, p.Lys1225Met (NM_001199398.3); c.3515A>T, p.Lys1172Met (NM_001199399.3); c.3590A>T, p.Lys1197Met (NM_001199400.3); c.3806A>T, p.Lys1269Met (NM_001374418.1); c.3722A>T, p.Lys1241Met (NM_001374419.1, NM_012224.4); c.3671A>T, p.Lys1224Met (NM_001374420.1); c.3323A>T, p.Lys1108Met (NM_001374421.1); short protein forms K1108M, K1225M, K1172M, K1197M, K1224M, K1269M, K1241M.
Identifiers: ClinVar variation 2956673 (VCV002956673.3), dbSNP rs899882337, ClinGen allele CA358799712.
Genomic context (GRCh38, chr4:169,400,266, plus strand): 5'-ACATGTGAGGAAATCTTACCTTCTTGGTAGGCTCCATCTGCCATGACTAAATGAAGAATC[T>A]TGGCATAAAGATGCTGATGTTCATTTCCCAAAATATTTTGAACTATTTTTGAACAAATTT-3'
Protein context (NP_001186326.1, residues 1259-1279): LGNEHQHLYA[Lys1269Met]ILHLVMADGA

ClinVar aggregate classification (germline): Uncertain significance (1 of 4 stars; one submission).

Conditions:
Short-rib thoracic dysplasia 6 with or without polydactyly (SRTD6). Also called: POLYDACTYLY WITH NEONATAL CHONDRODYSTROPHY, TYPE II; SHORT RIB-POLYDACTYLY SYNDROME, TYPE IIA; Majewski Syndrome; SHORT-RIB THORACIC DYSPLASIA 6 WITH POLYDACTYLY; SHORT-RIB THORACIC DYSPLASIA 6 WITHOUT POLYDACTYLY. Identifiers: MedGen C0024507, MONDO:0009894, OMIM 263520.

Allele frequency attached by ClinVar (database versions not stated): gnomAD exomes below 0.00001.
gnomAD v4.1: 6 of 1,575,718 alleles (0.00038%); highest among the groups gnomAD compares: Non-Finnish European, 0.00052%; no homozygotes.

Submission:

Labcorp Genetics (formerly Invitae), Labcorp
Classification: Uncertain significance for Short-rib thoracic dysplasia 6 with or without polydactyly. Last evaluated: 2023-04-10. Review status: criteria provided, single submitter. Criteria: Invitae Variant Classification Sherloc (09022015). Collection method: clinical testing. Allele origin: germline.
Comment: In summary, the available evidence is currently insufficient to determine the role of this variant in disease. Therefore, it has been classified as a Variant of Uncertain Significance. Advanced modeling of protein sequence and biophysical properties (such as structural, functional, and spatial information, amino acid conservation, physicochemical variation, residue mobility, and thermodynamic stability) has been performed at Invitae for this missense variant, however the output from this modeling did not meet the statistical confidence thresholds required to predict the impact of this variant on NEK1 protein function. This variant has not been reported in the literature in individuals affected with NEK1-related conditions. This variant is not present in population databases (gnomAD no frequency). This sequence change replaces lysine, which is basic and polar, with methionine, which is neutral and non-polar, at codon 1241 of the NEK1 protein (p.Lys1241Met).